The following is an entry in ClinVar:

NM_000834.5(GRIN2B):c.1768G>A (p.Ala590Thr)

Gene: GRIN2B (glutamate ionotropic receptor NMDA type subunit 2B; minus strand). Cytogenetic location: 12p13.1.
Variant type: single nucleotide variant.
Coding change: c.1768G>A on transcript NM_000834.5 (MANE Select); coding-DNA position 1768, G replaced by A.
Protein change: p.Ala590Thr; replaces alanine 590 with threonine.
Molecular consequence: missense variant.
Genome position (GRCh38, 1-based): chr12:13,611,737, C>T on the plus strand (G>A on the coding strand, the complement: GRIN2B is on the minus strand). VCF-style: chr12-13611737-C-T. GRCh37 (hg19) VCF-style: chr12-13764671-C-T.
Other names: p.A590T:GCT>ACT; short protein forms A590T.
Identifiers: ClinVar variation 205729 (VCV000205729.56), dbSNP rs145021339, ClinGen allele CA315085.
Genomic context (GRCh38, chr12:13,611,737, plus strand): 5'-ATAAGGAGAAAAAAACTGGGGAAGTGCAGCGGTTCCAGCCGGCCTTACCTCTGCCATCAG[C>T]GAGGCACCTGTTATAACCCACAGGGCTGAAGTACTCAAAGACAAAGACAGCCACGGCTGA-3'
Protein context (NP_000825.2, residues 580-600): FSPVGYNRCL[Ala590Thr]DGREPGGPSF

ClinVar aggregate classification (germline): Benign/Likely benign. Review status: criteria provided, multiple submitters, no conflicts (2 of 4 stars). 7 submissions from 7 submitters: Benign (2); Likely benign (4). 1 of the submissions does not count toward it. Last evaluated 2025-09-07.

Conditions:
GRIN2B-related disorder. Also called: GRIN2B-related condition.
Intellectual developmental disorder, autosomal dominant 6, with or without seizures. Also called: Intellectual disability, autosomal dominant 6; GRIN2B-related developmental delay, intellectual disability and autism spectrum disorder. Identifiers: Orphanet 589547, MedGen C3151411, MONDO:0013509, OMIM 613970.
Developmental and epileptic encephalopathy, 27 (DEE27). Also called: Epileptic encephalopathy, early infantile, 27; GRIN2B-Related Neurodevelopmental Disorder. Identifiers: Orphanet 3451, MedGen C4015316, MONDO:0014505, OMIM 616139.
Intellectual disability. Also called: Intellectual functioning disability; intellectual disabilities; Intellectual developmental disorder. Identifiers: MedGen C3714756, MeSH D008607, MONDO:0001071, HP:0001249.

Allele frequency attached by ClinVar (database versions not stated): gnomAD 0.00006 and 0.00007; TOPMed 0.00006; gnomAD exomes 0.00012; 1000 Genomes Project 30x 0.00016; ExAC 0.00016; 1000 Genomes Project 0.00020; ESP Exome Variant Server 0.00031.
gnomAD v4.1: 272 of 1,613,806 alleles (0.017%); highest among the groups gnomAD compares: Non-Finnish European, 0.022%; no homozygotes.

Submissions (7):

Labcorp Genetics (formerly Invitae), Labcorp
Classification: Benign for Developmental and epileptic encephalopathy, 27; Intellectual developmental disorder, autosomal dominant 6, with or without seizures. Last evaluated: 2025-09-07. Review status: criteria provided, single submitter. Criteria: Invitae Variant Classification Sherloc (09022015). Collection method: clinical testing. Allele origin: germline.

CeGaT Center for Human Genetics Tuebingen
Classification: Likely benign. Last evaluated: 2025-04-01. Review status: criteria provided, single submitter. Criteria: CeGaT Center For Human Genetics Tuebingen Variant Classification Criteria Version 2. Collection method: clinical testing. Allele origin: germline. Affected: yes. Observed: 2 variant alleles.
Comment: GRIN2B: BS2

Women's Health and Genetics/Laboratory Corporation of America, LabCorp
Classification: Likely benign. Last evaluated: 2024-12-17. Review status: criteria provided, single submitter. Criteria: LabCorp Variant Classification Summary - May 2015. Collection method: clinical testing. Allele origin: germline.
Comment: Variant summary: GRIN2B c.1768G>A (p.Ala590Thr) results in a non-conservative amino acid change located in the C-terminal domain (IPR001320) of the encoded protein sequence. Three of five in-silico tools predict a damaging effect of the variant on protein function. The variant allele was found at a frequency of 0.00012 in 251406 control chromosomes, predominantly at a frequency of 0.00024 within the Non-Finnish European subpopulation in the gnomAD database. The occurrence in several carriers suggests that the variant is not causal for a dominant, high penetrance, early onset disease phenotype. To our knowledge, no occurrence of c.1768G>A in individuals affected with Mental Retardation, Autosomal Dominant 6 and no experimental evidence demonstrating its impact on protein function have been reported. ClinVar contains an entry for this variant (Variation ID: 205729). Based on the evidence outlined above, the variant was classified as likely benign.

Blueprint Genetics
Classification: Likely benign. Last evaluated: 2024-06-03. Review status: criteria provided, single submitter. Criteria: ACMG Guidelines, 2015. Collection method: clinical testing. Allele origin: germline.

Cambridge Genomics Laboratory, East Genomic Laboratory Hub, NHS Genomic Medicine Service
Classification: Benign for Intellectual disability. Last evaluated: 2019-08-21. Review status: criteria provided, single submitter. Criteria: ACGS Best Practice Guidelines for Variant Classification in Rare Disease 2020. Collection method: clinical testing. Allele origin: germline. Affected: yes. Observed: 1 variant allele.

GeneDx
Classification: Likely benign. Last evaluated: 2018-04-19. Review status: criteria provided, single submitter. Criteria: GeneDx Variant Classification Process June 2021. Collection method: clinical testing. Allele origin: germline. Affected: yes.
Comment: This variant is associated with the following publications: (PMID: 20890276, 25904555, 26763624, 27818011, 27616045)

PreventionGenetics, part of Exact Sciences
Classification: Likely benign for GRIN2B-related condition. Last evaluated: 2022-11-14. Review status: no assertion criteria provided. Collection method: clinical testing. Allele origin: germline. Not counted in ClinVar's aggregate classification.
Comment: This variant is classified as likely benign based on ACMG/AMP sequence variant interpretation guidelines (Richards et al. 2015 PMID: 25741868, with internal and published modifications).